The following is an entry in ClinVar:

NM_001083962.2(TCF4):c.19A>G (p.Met7Val)

Gene: TCF4 (transcription factor 4; minus strand). Cytogenetic location: 18q21.2.
Variant type: single nucleotide variant.
Coding change: c.19A>G on transcript NM_001083962.2 (MANE Select); coding-DNA position 19, A replaced by G.
Protein change: p.Met7Val; replaces methionine 7 with valine.
Molecular consequence: missense variant. On other transcripts: intron variant (12).
Genome position (GRCh38, 1-based): chr18:55,587,098, T>C on the plus strand (A>G on the coding strand, the complement: TCF4 is on the minus strand). VCF-style: chr18-55587098-T-C. GRCh37 (hg19) VCF-style: chr18-53254329-T-C.
Other names: c.325A>G, p.Met109Val (NM_001243226.3); c.19A>G, p.Met7Val (NM_001243228.2, NM_001330604.3, NM_001369567.1 and 8 more transcripts); c.1-1746A>G (NM_001369584.1, NM_001369576.1, NM_001369577.1 and 3 more transcripts); c.66+1372A>G (NM_001243230.2); c.-1+940A>G (NM_001369585.1, NM_001369578.1, NM_001369579.1 and 2 more transcripts); short protein forms M109V, M7V.
Identifiers: ClinVar variation 3767840 (VCV003767840.1).
Genomic context (GRCh38, chr18:55,587,098, plus strand): 5'-TTCTTACCGCACTGAAATCCAGTAAATCACTCAGCTCTTTGTCCGTCCCTAAGGCAGCCA[T>C]TCGCTGTTGGTGATGCATTTTAGCAAAATCACACAAACCTAGAAACATGGAAATAACCGC-3'
Protein context (NP_001077431.1, residues 1-17): MHHQQR[Met7Val]AALGTDKELS

ClinVar aggregate classification (germline): Uncertain significance (1 of 4 stars; one submission).

Submission:

GeneDx
Classification: Uncertain significance. Last evaluated: 2024-09-04. Review status: criteria provided, single submitter. Criteria: GeneDx Variant Classification Process June 2021. Collection method: clinical testing. Allele origin: germline. Affected: yes.
Comment: Not observed at significant frequency in large population cohorts (gnomAD); In silico analysis supports that this missense variant has a deleterious effect on protein structure/function; Has not been previously published as pathogenic or benign to our knowledge